The following is an entry in ClinVar:

ClinVar aggregate classification (germline): Likely pathogenic (0 of 4 stars; one submission).

Conditions:
Finnish congenital nephrotic syndrome (NPHS1). Also called: NEPHROTIC SYNDROME, TYPE 1. Identifiers: Orphanet 839, MedGen C0403399, MONDO:0009732, OMIM 256300.

Submission:

Juha Muilu Group; Institute for Molecular Medicine Finland (FIMM)
Classification: Likely pathogenic for Finnish congenital nephrotic syndrome. Review status: no assertion criteria provided. Collection method: not provided. Allele origin: unknown.
Comment: FinDis database variant: This variant was not found or characterized by our laboratory, data were collected from public sources: see reference
ClinVar note: Converted during submission from probable-pathogenic to Likely pathogenic.

NM_004646.4(NPHS1):c.518T>A (p.Ile173Asn)

Gene: NPHS1 (NPHS1 adhesion molecule, nephrin; minus strand). Cytogenetic location: 19q13.12.
Variant type: single nucleotide variant.
Coding change: c.518T>A on transcript NM_004646.4 (MANE Select); coding-DNA position 518, T replaced by A.
Protein change: p.Ile173Asn; replaces isoleucine 173 with asparagine.
Molecular consequence: missense variant.
Genome position (GRCh38, 1-based): chr19:35,850,969, A>T on the plus strand (T>A on the coding strand, the complement: NPHS1 is on the minus strand). VCF-style: chr19-35850969-A-T. GRCh37 (hg19) VCF-style: chr19-36341871-A-T.
Other names: short protein forms I173N.
Identifiers: ClinVar variation 56511 (VCV000056511.2), dbSNP rs386833949, ClinGen allele CA250251.